The following is an entry in ClinVar:

ClinVar aggregate classification (germline): Uncertain significance (1 of 4 stars; one submission).

Conditions:
Familial meningioma. Also called: Meningioma, familial, susceptibility to. Identifiers: Orphanet 263662, MedGen C3551915, MONDO:0011789, OMIM 607174.

Submission:

Labcorp Genetics (formerly Invitae), Labcorp
Classification: Uncertain significance for Familial meningioma. Last evaluated: 2024-01-27. Review status: criteria provided, single submitter. Criteria: Invitae Variant Classification Sherloc (09022015). Collection method: clinical testing. Allele origin: germline.
Comment: This sequence change replaces arginine, which is basic and polar, with lysine, which is basic and polar, at codon 40 of the SMARCE1 protein (p.Arg40Lys). This variant is not present in population databases (gnomAD no frequency). This variant has not been reported in the literature in individuals affected with SMARCE1-related conditions. Advanced modeling of protein sequence and biophysical properties (such as structural, functional, and spatial information, amino acid conservation, physicochemical variation, residue mobility, and thermodynamic stability) performed at Invitae indicates that this missense variant is not expected to disrupt SMARCE1 protein function with a negative predictive value of 80%. In summary, the available evidence is currently insufficient to determine the role of this variant in disease. Therefore, it has been classified as a Variant of Uncertain Significance.

NM_003079.5(SMARCE1):c.119G>A (p.Arg40Lys)

Gene: SMARCE1 (SWI/SNF related BAF chromatin remodeling complex subunit E1; minus strand). Cytogenetic location: 17q21.2.
Variant type: single nucleotide variant.
Coding change: c.119G>A on transcript NM_003079.5 (MANE Select); coding-DNA position 119, G replaced by A.
Protein change: p.Arg40Lys; replaces arginine 40 with lysine.
Molecular consequence: missense variant.
Genome position (GRCh38, 1-based): chr17:40,642,492, C>T on the plus strand (G>A on the coding strand, the complement: SMARCE1 is on the minus strand). VCF-style: chr17-40642492-C-T. GRCh37 (hg19) VCF-style: chr17-38798744-C-T.
Other names: short protein forms R40K.
Identifiers: ClinVar variation 2979897 (VCV002979897.3), dbSNP rs2508613516, ClinGen allele CA399369716.